The following is an entry in ClinVar:

ClinVar aggregate classification (germline): Uncertain significance. Review status: criteria provided, multiple submitters, no conflicts (2 of 4 stars). 2 submissions from 2 submitters: Uncertain significance (2). Last evaluated 2024-02-17.

Conditions:
Autosomal recessive ataxia, Beauce type. Also called: SYNE1-Related Autosomal Recessive Cerebellar Ataxia; Spinocerebellar ataxia, autosomal recessive 8; ATAXIA, RECESSIVE, OF BEAUCE; SYNE1 Deficiency. Identifiers: Orphanet 88644, MedGen C1853116, MONDO:0012549, OMIM 610743.
Emery-Dreifuss muscular dystrophy 4, autosomal dominant (EDMD4). Also called: EMERY-DREIFUSS MUSCULAR DYSTROPHY 4 WITH VARIABLE FEATURES. Identifiers: Orphanet 261, MedGen C2751807, MONDO:0013071, OMIM 612998.

Allele frequency attached by ClinVar (database versions not stated): gnomAD exomes below 0.00001 and 0.00001; gnomAD 0.00001; TOPMed 0.00001; ExAC 0.00002; 1000 Genomes Project 0.00020; 1000 Genomes Project 30x 0.00031.
gnomAD v4.1: 4 of 1,614,128 alleles (0.00025%); highest among the groups gnomAD compares: East Asian, 0.0045%; no homozygotes.

Submissions (2):

Labcorp Genetics (formerly Invitae), Labcorp
Classification: Uncertain significance for Emery-Dreifuss muscular dystrophy 4, autosomal dominant; Autosomal recessive ataxia, Beauce type. Last evaluated: 2024-02-17. Review status: criteria provided, single submitter. Criteria: Invitae Variant Classification Sherloc (09022015). Collection method: clinical testing. Allele origin: germline.
Comment: This sequence change replaces isoleucine, which is neutral and non-polar, with valine, which is neutral and non-polar, at codon 8531 of the SYNE1 protein (p.Ile8531Val). This variant is present in population databases (rs200178554, gnomAD 0.0009%). This variant has not been reported in the literature in individuals affected with SYNE1-related conditions. ClinVar contains an entry for this variant (Variation ID: 538380). Algorithms developed to predict the effect of missense changes on protein structure and function output the following: SIFT: "Not Available"; PolyPhen-2: "Benign"; Align-GVGD: "Not Available". The valine amino acid residue is found in multiple mammalian species, which suggests that this missense change does not adversely affect protein function. In summary, the available evidence is currently insufficient to determine the role of this variant in disease. Therefore, it has been classified as a Variant of Uncertain Significance.

Athena Diagnostics
Classification: Uncertain significance. Last evaluated: 2019-01-28. Review status: criteria provided, single submitter. Criteria: Athena Diagnostics Criteria. Collection method: clinical testing. Allele origin: germline.

NM_182961.4(SYNE1):c.25735A>G (p.Ile8579Val)

Gene: SYNE1 (spectrin repeat containing nuclear envelope protein 1; minus strand). Cytogenetic location: 6q25.2.
Variant type: single nucleotide variant.
Coding change: c.25735A>G on transcript NM_182961.4 (MANE Select); coding-DNA position 25735, A replaced by G.
Protein change: p.Ile8579Val; replaces isoleucine 8579 with valine.
Molecular consequence: missense variant.
Genome position (GRCh38, 1-based): chr6:152,135,157, T>C on the plus strand (A>G on the coding strand, the complement: SYNE1 is on the minus strand). VCF-style: chr6-152135157-T-C. GRCh37 (hg19) VCF-style: chr6-152456292-T-C.
Other names: c.2341A>G, p.Ile781Val (NM_001347701.2); c.2269A>G, p.Ile757Val (NM_001347702.2); c.25591A>G, p.Ile8531Val (NM_033071.5); short protein forms I8579V, I8531V, I781V, I757V.
Identifiers: ClinVar variation 538380 (VCV000538380.8), dbSNP rs200178554, ClinGen allele CA4052754.